The following is an entry in ClinVar:

NM_006231.4(POLE):c.4720G>A (p.Ala1574Thr)

Gene: POLE (DNA polymerase epsilon, catalytic subunit; minus strand). Cytogenetic location: 12q24.33.
Variant type: single nucleotide variant.
Coding change: c.4720G>A on transcript NM_006231.4 (MANE Select); coding-DNA position 4720, G replaced by A.
Protein change: p.Ala1574Thr; replaces alanine 1574 with threonine.
Molecular consequence: missense variant.
Genome position (GRCh38, 1-based): chr12:132,642,828, C>T on the plus strand (G>A on the coding strand, the complement: POLE is on the minus strand). VCF-style: chr12-132642828-C-T. GRCh37 (hg19) VCF-style: chr12-133219414-C-T.
Other names: short protein forms A1574T.
Identifiers: ClinVar variation 240536 (VCV000240536.13), dbSNP rs878854876, ClinGen allele CA10582985.

ClinVar aggregate classification (germline): Conflicting classifications of pathogenicity. Review status: criteria provided, conflicting classifications (1 of 4 stars). 4 submissions from 4 submitters: Uncertain significance (1); Likely benign (2). 1 of the submissions does not count toward it. Last evaluated 2026-01-10.

Conditions:
POLE-related disorder. Also called: POLE-related disorders; POLE-related condition.
Hereditary cancer-predisposing syndrome. Also called: Tumor predisposition; Neoplastic Syndromes, Hereditary; Hereditary Cancer Syndrome; Hereditary neoplastic syndrome. Identifiers: Orphanet 140162, MedGen C0027672, MeSH D009386, MONDO:0015356.

Allele frequency attached by ClinVar (database versions not stated): gnomAD exomes 0.00001; TOPMed 0.00002; gnomAD 0.00003.

Submissions (4):

Labcorp Genetics (formerly Invitae), Labcorp
Classification: Uncertain significance. Last evaluated: 2026-01-10. Review status: criteria provided, single submitter. Criteria: Invitae Variant Classification Sherloc (09022015). Collection method: clinical testing. Allele origin: germline.
Comment: This sequence change replaces alanine, which is neutral and non-polar, with threonine, which is neutral and polar, at codon 1574 of the POLE protein (p.Ala1574Thr). This variant is present in population databases (no rsID available, gnomAD 0.003%). This variant has not been reported in the literature in individuals affected with POLE-related conditions. ClinVar contains an entry for this variant (Variation ID: 240536). Invitae Evidence Modeling of protein sequence and biophysical properties (such as structural, functional, and spatial information, amino acid conservation, physicochemical variation, residue mobility, and thermodynamic stability) indicates that this missense variant is not expected to disrupt POLE protein function with a negative predictive value of 80%. In summary, the available evidence is currently insufficient to determine the role of this variant in disease. Therefore, it has been classified as a Variant of Uncertain Significance.

Center for Genomic Medicine, Rigshospitalet, Copenhagen University Hospital
Classification: Likely benign. Last evaluated: 2025-12-29. Review status: criteria provided, single submitter. Criteria: ACMG Guidelines, 2015. Collection method: clinical testing. Allele origin: germline.

Ambry Genetics
Classification: Likely benign for Hereditary cancer-predisposing syndrome. Last evaluated: 2025-01-09. Review status: criteria provided, single submitter. Criteria: Ambry Variant Classification Scheme 2023. Collection method: clinical testing. Allele origin: germline.

PreventionGenetics, part of Exact Sciences
Classification: Uncertain significance for POLE-related condition. Last evaluated: 2024-08-23. Review status: no assertion criteria provided. Collection method: clinical testing. Allele origin: germline. Not counted in ClinVar's aggregate classification.
Comment: The POLE c.4720G>A variant is predicted to result in the amino acid substitution p.Ala1574Thr. To our knowledge, this variant has not been reported in the literature. This variant is reported in 0.0033% of alleles in individuals of South Asian descent in gnomAD and is classified as a variant of uncertain significance in ClinVar. At this time, the clinical significance of this variant is uncertain due to the absence of conclusive functional and genetic evidence.